The following is an entry in ClinVar:

ClinVar aggregate classification (germline): Conflicting classifications of pathogenicity. Review status: criteria provided, conflicting classifications (1 of 4 stars). 6 submissions from 6 submitters: Uncertain significance (3); Likely benign (1). 2 of the submissions do not count toward it. Last evaluated 2025-12-15.

Conditions:
Autosomal recessive nonsyndromic hearing loss 18B. Also called: Deafness, autosomal recessive 18b. Identifiers: Orphanet 90636, MedGen C3554163, MONDO:0013985, OMIM 614945.
OTOG-related disorder. Also called: OTOG-related condition.

Allele frequency attached by ClinVar (database versions not stated): gnomAD 0.00025; TOPMed 0.00040.
gnomAD v4.1: 531 of 1,550,702 alleles (0.034%); highest among the groups gnomAD compares: Non-Finnish European, 0.039%; 1 homozygote.

Submissions (6):

GeneDx
Classification: Uncertain significance. Last evaluated: 2025-12-15. Review status: criteria provided, single submitter. Criteria: GeneDx Variant Classification Process June 2021. Collection method: clinical testing. Allele origin: germline. Affected: yes.
Comment: In silico analysis supports that this missense variant has a deleterious effect on protein structure/function; Reported in a patient with sensorineural hearing loss in published literature (PMID: 29907799); This variant is associated with the following publications: (PMID: 29907799)

Labcorp Genetics (formerly Invitae), Labcorp
Classification: Likely benign. Last evaluated: 2025-06-08. Review status: criteria provided, single submitter. Criteria: Invitae Variant Classification Sherloc (09022015). Collection method: clinical testing. Allele origin: germline.

Blueprint Genetics
Classification: Uncertain significance. Last evaluated: 2024-10-02. Review status: criteria provided, single submitter. Criteria: ACMG Guidelines, 2015. Collection method: clinical testing. Allele origin: germline.

Laboratory for Molecular Medicine, Mass General Brigham Personalized Medicine
Classification: Uncertain significance. Last evaluated: 2017-07-05. Review status: criteria provided, single submitter. Criteria: LMM Criteria. Collection method: clinical testing. Allele origin: germline. Observed: 2 variant alleles.
Comment: The p.Arg626Trp variant in OTOG has been identified by our laboratory in 2 indiv iduals with hearing loss; however, a variant affecting the other copy of the OTO G gene was not identified in either of them. This variant has been identified in 0.2% (19/8420) of Ashkenazi Jewish chromosomes by the genome Aggregation Databa se (gnomAD; dbSNP rs201183725). Although it ha s been seen in the general population, its frequency is not high enough to rule out a pathogenic role. Computational prediction tools and conservation analysis do not provide strong support for or against an impact to the protein. In summar y, the clinical significance of the p.Arg626Trp variant is uncertain.

PreventionGenetics, part of Exact Sciences
Classification: Likely benign for OTOG-related condition. Last evaluated: 2023-11-28. Review status: no assertion criteria provided. Collection method: clinical testing. Allele origin: germline. Not counted in ClinVar's aggregate classification.
Comment: This variant is classified as likely benign based on ACMG/AMP sequence variant interpretation guidelines (Richards et al. 2015 PMID: 25741868, with internal and published modifications).

Division of Human Genetics, Children's Hospital of Philadelphia
Classification: Uncertain significance for Autosomal recessive nonsyndromic hearing loss 18B. Last evaluated: 2015-10-29. Review status: no assertion criteria provided. Collection method: research. Allele origin: paternal. Affected: yes. Study: CSER-PediSeq. Not counted in ClinVar's aggregate classification.

NM_001292063.2(OTOG):c.1840C>T (p.Arg614Trp)

Gene: OTOG (otogelin; plus strand). Cytogenetic location: 11p15.1.
Variant type: single nucleotide variant.
Coding change: c.1840C>T on transcript NM_001292063.2 (MANE Select); coding-DNA position 1840, C replaced by T.
Protein change: p.Arg614Trp; replaces arginine 614 with tryptophan.
Molecular consequence: missense variant.
Genome position (GRCh38, 1-based): chr11:17,570,275, C>T. VCF-style: chr11-17570275-C-T. GRCh37 (hg19) VCF-style: chr11-17591822-C-T.
Other names: c.1876C>T, p.Arg626Trp (NM_001277269.2); short protein forms R626W, R614W.
Identifiers: ClinVar variation 417901 (VCV000417901.18), dbSNP rs201183725, ClinGen allele CA5905544.